The following is an entry in ClinVar:

ClinVar aggregate classification (germline): Uncertain significance. Review status: criteria provided, multiple submitters, no conflicts (2 of 4 stars). 2 submissions from 2 submitters: Uncertain significance (2). Last evaluated 2024-03-17.

Allele frequency attached by ClinVar (database versions not stated): 1000 Genomes Project 30x 0.00031; TOPMed 0.00046.
gnomAD v4.1: 67 of 1,613,980 alleles (0.0042%); highest among the groups gnomAD compares: Admixed American, 0.055%; 1 homozygote.

Submissions (2):

Labcorp Genetics (formerly Invitae), Labcorp
Classification: Uncertain significance. Last evaluated: 2024-03-17. Review status: criteria provided, single submitter. Criteria: Invitae Variant Classification Sherloc (09022015). Collection method: clinical testing. Allele origin: germline.
Comment: This sequence change replaces alanine, which is neutral and non-polar, with aspartic acid, which is acidic and polar, at codon 318 of the NYNRIN protein (p.Ala318Asp). This variant is present in population databases (rs772650230, gnomAD 0.01%). This variant has not been reported in the literature in individuals affected with NYNRIN-related conditions. ClinVar contains an entry for this variant (Variation ID: 2372644). Experimental studies and prediction algorithms are not available or were not evaluated, and the functional significance of this variant is currently unknown. In summary, the available evidence is currently insufficient to determine the role of this variant in disease. Therefore, it has been classified as a Variant of Uncertain Significance.

Ambry Genetics
Classification: Uncertain significance. Last evaluated: 2021-10-12. Review status: criteria provided, single submitter. Criteria: Ambry Variant Classification Scheme 2023. Collection method: clinical testing. Allele origin: germline.

NM_025081.3(NYNRIN):c.953C>A (p.Ala318Asp)

Gene: NYNRIN (NYN domain and retroviral integrase containing; plus strand). Cytogenetic location: 14q12.
Variant type: single nucleotide variant.
Coding change: c.953C>A on transcript NM_025081.3 (MANE Select); coding-DNA position 953, C replaced by A.
Protein change: p.Ala318Asp; replaces alanine 318 with aspartic acid.
Molecular consequence: missense variant.
Genome position (GRCh38, 1-based): chr14:24,408,747, C>A. VCF-style: chr14-24408747-C-A. GRCh37 (hg19) VCF-style: chr14-24877953-C-A.
Other names: short protein forms A318D.
Identifiers: ClinVar variation 2372644 (VCV002372644.4), dbSNP rs772650230, ClinGen allele CA7136712.